The following is an entry in ClinVar:

NM_001329943.3(KIAA0586):c.2553+3A>C

Gene: KIAA0586 (KIAA0586; plus strand). Cytogenetic location: 14q23.1.
Variant type: single nucleotide variant.
Coding change: c.2553+3A>C on transcript NM_001329943.3 (MANE Select); 3 bases into the intron after coding-DNA position 2553, A replaced by C.
Molecular consequence: intron variant.
Genome position (GRCh38, 1-based): chr14:58,470,726, A>C. VCF-style: chr14-58470726-A-C. GRCh37 (hg19) VCF-style: chr14-58937444-A-C.
Other names: c.2712+3A>C (NM_001244189.2); c.2508+3A>C (NM_001244190.2); c.2421+3A>C (NM_001244192.2); c.2298+3A>C (NM_001244191.2, NM_001364701.2, NM_001329945.2 and 1 more transcripts); c.2553+3A>C (NM_001329944.2, NM_001329946.2, NM_001329947.2); c.2325+3A>C (NM_014749.5); c.2133+3A>C (NM_001244193.2).
Identifiers: ClinVar variation 504350 (VCV000504350.2), dbSNP rs1555387054, ClinGen allele CA658798218.

ClinVar aggregate classification (germline): Uncertain significance (1 of 4 stars; one submission).

Submission:

GeneDx
Classification: Uncertain significance. Last evaluated: 2018-02-21. Review status: criteria provided, single submitter. Criteria: GeneDx Variant Classification (06012015). Collection method: clinical testing. Allele origin: germline. Affected: yes.
Comment: The c.2712+3 A>C variant has not been published as a pathogenic variant, nor has it been reported as a benign variant to our knowledge. This variant is not observed in large population cohorts (Lek et al., 2016). Multiple in-silico splice prediction models predict c.2712+3 A>C destroys the natural splice donor site in intron 19 and leads to abnormal gene splicing. However, in the absence of RNA/functional studies the actual effect of c.2712+3 A>C on splicing in this individual is unknown.